The following is an entry in ClinVar:

ClinVar aggregate classification (germline): Uncertain significance (1 of 4 stars; one submission).

gnomAD v4.1: 3 of 915,624 alleles (0.00033%); highest among the groups gnomAD compares: African/African-American, 0.0058%; no homozygotes.

Submission:

Dasa
Classification: Uncertain significance. Last evaluated: 2026-04-25. Review status: criteria provided, single submitter. Criteria: DASA Assertion Criteria. Collection method: clinical testing. Allele origin: germline.
Comment: NM_003611.3(OFD1):c.*56A>C is a sequence variant. This variant is rare in population databases. The currently available literature and clinical evidence are not sufficient to establish a definitive association between this variant and the reported condition. Therefore, this variant is classified as a variant of uncertain significance.

NM_003611.3(OFD1):c.*56A>C

Gene: OFD1 (OFD1 centriole and centriolar satellite protein; plus strand). Cytogenetic location: Xp22.2.
Variant type: single nucleotide variant.
Coding change: c.*56A>C on transcript NM_003611.3 (MANE Select); 56 bases downstream of the stop codon, A replaced by C.
Molecular consequence: 3 prime UTR variant.
Genome position (GRCh38, 1-based): chrX:13,769,164, A>C. VCF-style: chrX-13769164-A-C. GRCh37 (hg19) VCF-style: chrX-13787283-A-C.
Other names: c.*56A>C (NM_001330209.2, NM_001330210.2, NM_001440947.1 and 1 more transcripts).
Identifiers: ClinVar variation 4882373 (VCV004882373.2).
Genomic context (GRCh38, chrX:13,769,164, plus strand): 5'-GGTAACCATGTTTGCTGCCCAGCTTCTAACTTACATACCGTGAGAAGTTACGTAACATTT[A>C]CTCCTTTGTAAATGTTTCCCTATCATCAGACAAAACTCAATAAAAATGTGTGTAATCCAA-3'